The following is an entry in ClinVar:

ClinVar aggregate classification (germline): Likely benign. Review status: criteria provided, multiple submitters, no conflicts (2 of 4 stars). 3 submissions from 3 submitters: Likely benign (3). Last evaluated 2023-03-01.

Allele frequency attached by ClinVar (database versions not stated): TOPMed 0.00001; gnomAD exomes 0.00003; gnomAD 0.00005; ExAC 0.00006; 1000 Genomes Project 30x 0.00031; 1000 Genomes Project 0.00040.
gnomAD v4.1: 65 of 1,472,514 alleles (0.0044%); highest among the groups gnomAD compares: South Asian, 0.087%; no homozygotes.

Submissions (3):

CeGaT Center for Human Genetics Tuebingen
Classification: Likely benign. Last evaluated: 2023-03-01. Review status: criteria provided, single submitter. Criteria: CeGaT Center For Human Genetics Tuebingen Variant Classification Criteria Version 2. Collection method: clinical testing. Allele origin: germline. Affected: yes. Observed: 1 variant allele.
Comment: BCL11B: BP4, BP7

Labcorp Genetics (formerly Invitae), Labcorp
Classification: Likely benign. Last evaluated: 2022-11-17. Review status: criteria provided, single submitter. Criteria: Invitae Variant Classification Sherloc (09022015). Collection method: clinical testing. Allele origin: germline.

Breakthrough Genomics
Classification: Likely benign. Review status: criteria provided, single submitter. Criteria: ACMG Guidelines, 2015. Collection method: not provided. Allele origin: germline. Inheritance: Autosomal dominant inheritance. Affected: yes.

NM_138576.4(BCL11B):c.1051C>T (p.Leu351=)

Gene: BCL11B (BCL11 transcription factor B; minus strand). Cytogenetic location: 14q32.2.
Variant type: single nucleotide variant.
Coding change: c.1051C>T on transcript NM_138576.4 (MANE Select); coding-DNA position 1051, C replaced by T.
Protein change: p.Leu351=; no amino-acid change (leucine 351 retained).
Molecular consequence: synonymous variant.
Genome position (GRCh38, 1-based): chr14:99,175,785, G>A on the plus strand (C>T on the coding strand, the complement: BCL11B is on the minus strand). VCF-style: chr14-99175785-G-A. GRCh37 (hg19) VCF-style: chr14-99642122-G-A.
Other names: c.1048C>T, p.Leu350= (NM_001282237.2); c.835C>T, p.Leu279= (NM_001282238.2); c.838C>T, p.Leu280= (NM_022898.3).
Identifiers: ClinVar variation 1574467 (VCV001574467.33), dbSNP rs533701553, ClinGen allele CA7339748.